The following is an entry in ClinVar:

ClinVar aggregate classification (germline): Uncertain significance (1 of 4 stars; one submission).

Submission:

Labcorp Genetics (formerly Invitae), Labcorp
Classification: Uncertain significance. Last evaluated: 2023-10-04. Review status: criteria provided, single submitter. Criteria: Invitae Variant Classification Sherloc (09022015). Collection method: clinical testing. Allele origin: germline.
Comment: This sequence change affects codon 486 of the ITGB3 mRNA. It is a 'silent' change, meaning that it does not change the encoded amino acid sequence of the ITGB3 protein. This variant is not present in population databases (gnomAD no frequency). This variant has not been reported in the literature in individuals affected with ITGB3-related conditions. Algorithms developed to predict the effect of sequence changes on RNA splicing suggest that this variant may create or strengthen a splice site. In summary, the available evidence is currently insufficient to determine the role of this variant in disease. Therefore, it has been classified as a Variant of Uncertain Significance.

NM_000212.3(ITGB3):c.1458C>T (p.Cys486=)

Gene: ITGB3 (integrin subunit beta 3; plus strand). Cytogenetic location: 17q21.32.
Variant type: single nucleotide variant.
Coding change: c.1458C>T on transcript NM_000212.3 (MANE Select); coding-DNA position 1458, C replaced by T.
Protein change: p.Cys486=; no amino-acid change (cysteine 486 retained).
Molecular consequence: synonymous variant.
Genome position (GRCh38, 1-based): chr17:47,292,336, C>T. VCF-style: chr17-47292336-C-T. GRCh37 (hg19) VCF-style: chr17-45369702-C-T.
Identifiers: ClinVar variation 2763449 (VCV002763449.3), dbSNP rs1255017270, ClinGen allele CA500651279.